The following is an entry in ClinVar:

ClinVar aggregate classification (germline): Uncertain significance (1 of 4 stars; one submission).

Allele frequency attached by ClinVar (database versions not stated): gnomAD exomes below 0.00001; ExAC 0.00001.
gnomAD v4.1: 3 of 1,603,866 alleles (0.00019%); highest among the groups gnomAD compares: South Asian, 0.0022%; no homozygotes.

Submission:

Labcorp Genetics (formerly Invitae), Labcorp
Classification: Uncertain significance. Last evaluated: 2023-06-09. Review status: criteria provided, single submitter. Criteria: Invitae Variant Classification Sherloc (09022015). Collection method: clinical testing. Allele origin: germline.
Comment: In summary, the available evidence is currently insufficient to determine the role of this variant in disease. Therefore, it has been classified as a Variant of Uncertain Significance. Variants that disrupt the consensus splice site are a relatively common cause of aberrant splicing (PMID: 17576681, 9536098). Algorithms developed to predict the effect of sequence changes on RNA splicing suggest that this variant is not likely to affect RNA splicing. This variant has not been reported in the literature in individuals affected with FLNB-related conditions. This variant is present in population databases (rs756644134, gnomAD 0.003%). This sequence change falls in intron 5 of the FLNB gene. It does not directly change the encoded amino acid sequence of the FLNB protein. It affects a nucleotide within the consensus splice site.

Literature cited by the submitters: PubMed 17576681; PubMed 9536098.

NM_001457.4(FLNB):c.906+6T>C

Gene: FLNB (filamin B; plus strand). Cytogenetic location: 3p14.3.
Variant type: single nucleotide variant.
Coding change: c.906+6T>C on transcript NM_001457.4 (MANE Select); 6 bases into the intron after coding-DNA position 906, T replaced by C.
Molecular consequence: intron variant.
Genome position (GRCh38, 1-based): chr3:58,094,960, T>C. VCF-style: chr3-58094960-T-C. GRCh37 (hg19) VCF-style: chr3-58080687-T-C.
Other names: c.906+6T>C (NM_001164317.2, NM_001164318.2, NM_001164319.2).
Identifiers: ClinVar variation 2706486 (VCV002706486.3), dbSNP rs756644134, ClinGen allele CA2467655.